The following is an entry in ClinVar:

NM_001457.4(FLNB):c.7199-1G>A

Genes: FLNB (filamin B; plus strand), FLNB-AS1 (FLNB antisense RNA 1; minus strand). Cytogenetic location: 3p14.3.
Variant type: single nucleotide variant.
Coding change: c.7199-1G>A on transcript NM_001457.4 (MANE Select); the canonical splice acceptor site of the intron before coding-DNA position 7199, G replaced by A.
Molecular consequence: splice acceptor variant.
Genome position (GRCh38, 1-based): chr3:58,168,439, G>A. VCF-style: chr3-58168439-G-A. GRCh37 (hg19) VCF-style: chr3-58154166-G-A.
Other names: c.7292-1G>A (NM_001164317.2); c.7166-1G>A (NM_001164318.2); c.7127-1G>A (NM_001164319.2).
Identifiers: ClinVar variation 3726990 (VCV003726990.2).

ClinVar aggregate classification (germline): Likely pathogenic (1 of 4 stars; one submission).

Submission:

Labcorp Genetics (formerly Invitae), Labcorp
Classification: Likely pathogenic. Last evaluated: 2024-12-17. Review status: criteria provided, single submitter. Criteria: Invitae Variant Classification Sherloc (09022015). Collection method: clinical testing. Allele origin: germline.
Comment: This sequence change affects an acceptor splice site in intron 43 of the FLNB gene. It is expected to disrupt RNA splicing. Variants that disrupt the donor or acceptor splice site typically lead to a loss of protein function (PMID: 16199547), and loss-of-function variants in FLNB are known to be pathogenic (PMID: 14991055). This variant is not present in population databases (gnomAD no frequency). This variant has not been reported in the literature in individuals affected with FLNB-related conditions. Algorithms developed to predict the effect of sequence changes on RNA splicing suggest that this variant may disrupt the consensus splice site. In summary, the currently available evidence indicates that the variant is pathogenic, but additional data are needed to prove that conclusively. Therefore, this variant has been classified as Likely Pathogenic.

Literature cited by the submitters: PubMed 16199547; PubMed 14991055.